The following is an entry in ClinVar:

ClinVar aggregate classification (germline): Uncertain significance (1 of 4 stars; one submission).

Conditions:
Cardiovascular phenotype. Identifiers: MedGen CN230736.

gnomAD v4.1: 5 of 1,612,342 alleles (0.00031%); highest among the groups gnomAD compares: South Asian, 0.0044%; no homozygotes.

Submission:

Ambry Genetics
Classification: Uncertain significance for Cardiovascular phenotype. Last evaluated: 2025-04-30. Review status: criteria provided, single submitter. Criteria: Ambry Variant Classification Scheme 2023. Collection method: clinical testing. Allele origin: germline.
Comment: The p.T594A variant (also known as c.1780A>G), located in coding exon 8 of the AKAP9 gene, results from an A to G substitution at nucleotide position 1780. The threonine at codon 594 is replaced by alanine, an amino acid with similar properties. This amino acid position is conserved. In addition, this alteration is predicted to be tolerated by in silico analysis. Based on the available evidence, the clinical significance of this variant remains unclear.

NM_005751.5(AKAP9):c.1780A>G (p.Thr594Ala)

Gene: AKAP9 (A-kinase anchoring protein 9; plus strand). Cytogenetic location: 7q21.2.
Variant type: single nucleotide variant.
Coding change: c.1780A>G on transcript NM_005751.5 (MANE Select); coding-DNA position 1780, A replaced by G.
Protein change: p.Thr594Ala; replaces threonine 594 with alanine.
Molecular consequence: missense variant.
Genome position (GRCh38, 1-based): chr7:92,001,697, A>G. VCF-style: chr7-92001697-A-G. GRCh37 (hg19) VCF-style: chr7-91631011-A-G.
Other names: c.1780A>G, p.Thr594Ala (NM_147185.3); short protein forms T594A.
Identifiers: ClinVar variation 4033924 (VCV004033924.1).